The following is an entry in ClinVar:

NM_198525.3(KIF7):c.3278C>T (p.Ser1093Phe)

Gene: KIF7 (kinesin family member 7; minus strand). Cytogenetic location: 15q26.1.
Variant type: single nucleotide variant.
Coding change: c.3278C>T on transcript NM_198525.3 (MANE Select); coding-DNA position 3278, C replaced by T.
Protein change: p.Ser1093Phe; replaces serine 1093 with phenylalanine.
Molecular consequence: missense variant.
Genome position (GRCh38, 1-based): chr15:89,630,327, G>A on the plus strand (C>T on the coding strand, the complement: KIF7 is on the minus strand). VCF-style: chr15-89630327-G-A. GRCh37 (hg19) VCF-style: chr15-90173558-G-A.
Other names: short protein forms S1093F.
Identifiers: ClinVar variation 1196685 (VCV001196685.4), dbSNP rs762038154, ClinGen allele CA7727779.

ClinVar aggregate classification (germline): Uncertain significance. Review status: criteria provided, multiple submitters, no conflicts (2 of 4 stars). 2 submissions from 2 submitters: Uncertain significance (2). Last evaluated 2024-04-14.

Conditions:
Hydrolethalus syndrome 2 (HLS2). Identifiers: Orphanet 2189, MedGen C3279899, MONDO:0013585, OMIM 614120.
Multiple epiphyseal dysplasia, Al-Gazali type. Also called: Macrocephaly with multiple epiphyseal dysplasia and distinctive facies. Identifiers: Orphanet 166024, MedGen C1846722, MONDO:0011778, OMIM 607131.
Acrocallosal syndrome (ACLS). Also called: HALLUX DUPLICATION, POSTAXIAL POLYDACTYLY, AND ABSENCE OF CORPUS CALLOSUM; Schinzel syndrome 1; Absence of corpus callosum with unusual facial appearance, mental deficiency, duplication of the halluces and polydactyly. Identifiers: Orphanet 36, MedGen C0796147, MONDO:0008708, OMIM 200990.

Allele frequency attached by ClinVar (database versions not stated): ExAC 0.00001; gnomAD 0.00001; TOPMed 0.00001; gnomAD exomes 0.00002.
gnomAD v4.1: 12 of 1,614,078 alleles (0.00074%); highest among the groups gnomAD compares: Admixed American, 0.01%; no homozygotes.

Submissions (2):

Fulgent Genetics
Classification: Uncertain significance for Acrocallosal syndrome; Multiple epiphyseal dysplasia, Al-Gazali type; Hydrolethalus syndrome 2. Last evaluated: 2024-04-14. Review status: criteria provided, single submitter. Criteria: ACMG Guidelines, 2015. Collection method: clinical testing. Allele origin: germline.

GeneDx
Classification: Uncertain significance. Last evaluated: 2023-05-09. Review status: criteria provided, single submitter. Criteria: GeneDx Variant Classification Process June 2021. Collection method: clinical testing. Allele origin: germline. Affected: yes.
Comment: Not observed at significant frequency in large population cohorts (gnomAD); In silico analysis supports that this missense variant has a deleterious effect on protein structure/function; Has not been previously published as pathogenic or benign to our knowledge